The following is an entry in ClinVar:

NM_001042492.3(NF1):c.4713A>T (p.Glu1571Asp)

Gene: NF1 (neurofibromin 1; plus strand). Cytogenetic location: 17q11.2.
Variant type: single nucleotide variant.
Coding change: c.4713A>T on transcript NM_001042492.3 (MANE Select); coding-DNA position 4713, A replaced by T.
Protein change: p.Glu1571Asp; replaces glutamic acid 1571 with aspartic acid.
Molecular consequence: missense variant.
Genome position (GRCh38, 1-based): chr17:31,261,846, A>T. VCF-style: chr17-31261846-A-T. GRCh37 (hg19) VCF-style: chr17-29588864-A-T.
Other names: c.4650A>T, p.Glu1550Asp (NM_000267.4); short protein forms E1550D, E1571D.
Identifiers: ClinVar variation 3237795 (VCV003237795.1), dbSNP rs2508430951.

ClinVar aggregate classification (germline): Uncertain significance (1 of 4 stars; one submission).

Conditions:
Hereditary cancer-predisposing syndrome. Also called: Neoplastic Syndromes, Hereditary; Tumor predisposition; Hereditary neoplastic syndrome; Hereditary Cancer Syndrome. Identifiers: Orphanet 140162, MedGen C0027672, MeSH D009386, MONDO:0015356.
Cardiovascular phenotype. Identifiers: MedGen CN230736.

Submission:

Ambry Genetics
Classification: Uncertain significance for Cardiovascular phenotype; Hereditary cancer-predisposing syndrome. Last evaluated: 2021-04-29. Review status: criteria provided, single submitter. Criteria: Ambry Variant Classification Scheme 2023. Collection method: clinical testing. Allele origin: germline.
Comment: The p.E1550D variant (also known as c.4650A>T), located in coding exon 34 of the NF1 gene, results from an A to T substitution at nucleotide position 4650. The glutamic acid at codon 1550 is replaced by aspartic acid, an amino acid with highly similar properties. This amino acid position is highly conserved in available vertebrate species. In addition, this alteration is predicted to be tolerated by in silico analysis. Since supporting evidence is limited at this time, the clinical significance of this alteration remains unclear.